The following is an entry in ClinVar:

ClinVar aggregate classification (germline): Pathogenic (1 of 4 stars; one submission).

Submission:

GeneDx
Classification: Pathogenic. Last evaluated: 2019-10-04. Review status: criteria provided, single submitter. Criteria: GeneDx Variant Classification Process June 2021. Collection method: clinical testing. Allele origin: germline. Affected: yes.
Comment: Variant removes two nucleotides at a splice junction, but is not predicted to alter splicing and instead introduces a premature termination codon, which is predicted to result in protein truncation or nonsense mediated decay in this gene for which loss-of-function is a known mechanism of disease; Not observed in large population cohorts (Lek et al., 2016); This variant is associated with the following publications: (PMID: 21667357)

NM_000088.4(COL1A1):c.2235_2235+1del

Gene: COL1A1 (collagen type I alpha 1 chain; minus strand). Cytogenetic location: 17q21.33.
Variant type: Microsatellite.
Coding change: c.2235_2235+1del on transcript NM_000088.4 (MANE Select); coding-DNA position 2235 through the canonical splice donor site of the intron after coding-DNA position 2235, 2 bases deleted (AG; older notation c.2235_2235+1delAG).
Molecular consequence: splice donor variant.
Genome position (GRCh38, 1-based): chr17:50,191,382-50,191,383, CT deleted on the plus strand (AG on the coding strand, the reverse complement: COL1A1 is on the minus strand); deleting any 2 consecutive bases within chr17:50,191,382-50,191,385 gives the same sequence; the c. name uses the placement nearest the transcript's 3' end. VCF-style (leftmost placement, unchanged base first): chr17-50191381-ACT-A. GRCh37 (hg19) VCF-style: chr17-48268742-ACT-A.
Identifiers: ClinVar variation 1189394 (VCV001189394.2), dbSNP rs2144558158, ClinGen allele CA2580612657.